The following is an entry in ClinVar:

NM_152564.5(VPS13B):c.2282C>G (p.Pro761Arg)

Gene: VPS13B (vacuolar protein sorting 13 homolog B; plus strand). Cytogenetic location: 8q22.2.
Variant type: single nucleotide variant.
Coding change: c.2282C>G on transcript NM_152564.5 (MANE Select); coding-DNA position 2282, C replaced by G.
Protein change: p.Pro761Arg; replaces proline 761 with arginine.
Molecular consequence: missense variant.
Genome position (GRCh38, 1-based): chr8:99,170,112, C>G. VCF-style: chr8-99170112-C-G. GRCh37 (hg19) VCF-style: chr8-100182340-C-G.
Other names: c.2282C>G, p.Pro761Arg (NM_015243.3, NM_017890.5); short protein forms P761R.
Identifiers: ClinVar variation 3349683 (VCV003349683.1).

ClinVar aggregate classification (germline): Uncertain significance (0 of 4 stars; one submission).

Conditions:
VPS13B-related disorder. Also called: VPS13B-related condition.

Submission:

PreventionGenetics, part of Exact Sciences
Classification: Uncertain significance for VPS13B-related condition. Last evaluated: 2024-02-06. Review status: no assertion criteria provided. Collection method: clinical testing. Allele origin: germline.
Comment: The VPS13B c.2282C>G variant is predicted to result in the amino acid substitution p.Pro761Arg. To our knowledge, this variant has not been reported in the literature or in a large population database, indicating this variant is rare. At this time, the clinical significance of this variant is uncertain due to the absence of conclusive functional and genetic evidence.